The following is an entry in ClinVar:

NM_001374259.2(IL12RB2):c.43A>G (p.Ile15Val)

Gene: IL12RB2 (interleukin 12 receptor subunit beta 2; plus strand). Cytogenetic location: 1p31.3.
Variant type: single nucleotide variant.
Coding change: c.43A>G on transcript NM_001374259.2 (MANE Select); coding-DNA position 43, A replaced by G.
Protein change: p.Ile15Val; replaces isoleucine 15 with valine.
Molecular consequence: missense variant. On other transcripts: non-coding transcript variant (2).
Genome position (GRCh38, 1-based): chr1:67,320,411, A>G. VCF-style: chr1-67320411-A-G. GRCh37 (hg19) VCF-style: chr1-67786094-A-G.
Other names: c.43A>G, p.Ile15Val (NM_001258214.1, NM_001258215.1, NM_001258216.1 and 2 more transcripts); short protein forms I15V.
Identifiers: ClinVar variation 3702307 (VCV003702307.2).

ClinVar aggregate classification (germline): Uncertain significance (1 of 4 stars; one submission).

gnomAD v4.1: 6 of 1,613,984 alleles (0.00037%); highest among the groups gnomAD compares: African/African-American, 0.0013%; no homozygotes.

Submission:

Labcorp Genetics (formerly Invitae), Labcorp
Classification: Uncertain significance. Last evaluated: 2024-03-03. Review status: criteria provided, single submitter. Criteria: Invitae Variant Classification Sherloc (09022015). Collection method: clinical testing. Allele origin: germline.
Comment: This sequence change replaces isoleucine, which is neutral and non-polar, with valine, which is neutral and non-polar, at codon 15 of the IL12RB2 protein (p.Ile15Val). This variant is not present in population databases (gnomAD no frequency). This variant has not been reported in the literature in individuals affected with IL12RB2-related conditions. Algorithms developed to predict the effect of missense changes on protein structure and function output the following: SIFT: "Not Available"; PolyPhen-2: "Benign"; Align-GVGD: "Not Available". The valine amino acid residue is found in multiple mammalian species, which suggests that this missense change does not adversely affect protein function. In summary, the available evidence is currently insufficient to determine the role of this variant in disease. Therefore, it has been classified as a Variant of Uncertain Significance.